The following is an entry in ClinVar:

NM_001011658.4(TRAPPC2):c.*302A>G

Gene: TRAPPC2 (trafficking protein particle complex subunit 2; minus strand). Cytogenetic location: Xp22.2.
Variant type: single nucleotide variant.
Coding change: c.*302A>G on transcript NM_001011658.4 (MANE Select); 302 bases downstream of the stop codon, A replaced by G.
Molecular consequence: 3 prime UTR variant.
Genome position (GRCh38, 1-based): chrX:13,714,105, T>C on the plus strand (A>G on the coding strand, the complement: TRAPPC2 is on the minus strand). VCF-style: chrX-13714105-T-C. GRCh37 (hg19) VCF-style: chrX-13732224-T-C.
Other names: c.*302A>G (NM_001128835.3, NM_014563.6).
Identifiers: ClinVar variation 912338 (VCV000912338.4), dbSNP rs771210112, ClinGen allele CA326090925.
Genomic context (GRCh38, chrX:13,714,105, plus strand): 5'-AGGCAGGAGAATCGCCTGAACCTGGGAGGCGGAGGTTGCAGTGAGCCAAGATTGCGCCAC[T>C]GCACTCCAGCCTGGCAACAGAGTGAGACTCTGTATCAGAAAAAAAAAAAAAAAAAAAACA-3'

ClinVar aggregate classification (germline): Benign (1 of 4 stars; one submission).

Conditions:
Spondyloepiphyseal dysplasia tarda (SEDT). Also called: SPONDYLOEPIPHYSEAL DYSPLASIA, LATE. Identifiers: Orphanet 93284, MedGen CN033239, MONDO:0019667.

Allele frequency attached by ClinVar (database versions not stated): gnomAD exomes 0.00007; gnomAD 0.00009 and 0.00011; 1000 Genomes Project 30x 0.00042; 1000 Genomes Project 0.00053.
gnomAD v4.1: 12 of 112,801 alleles (0.011%); highest among the groups gnomAD compares: Admixed American, 0.023%; no homozygotes.

Submission:

Illumina Laboratory Services, Illumina
Classification: Benign for Spondyloepiphyseal dysplasia tarda, X-linked. Last evaluated: 2018-01-13. Review status: criteria provided, single submitter. Criteria: ICSL Variant Classification Criteria 13 December 2019. Collection method: clinical testing. Allele origin: germline.
Comment: This variant was observed in the ICSL laboratory as part of a predisposition screen in an ostensibly healthy population. It had not been previously curated by ICSL or reported in the Human Gene Mutation Database (HGMD: prior to June 1st, 2018), and was therefore a candidate for classification through an automated scoring system. Utilizing variant allele frequency, disease prevalence and penetrance estimates, and inheritance mode, an automated score was calculated to assess if this variant is too frequent to cause the disease. Based on the score and internal cut-off values, a variant classified as benign is not then subjected to further curation. The score for this variant resulted in a classification of benign for this disease.